The following is an entry in ClinVar:

ClinVar aggregate classification (germline): Uncertain significance (1 of 4 stars; one submission).

Conditions:
Primary ciliary dyskinesia. Also called: Ciliary dyskinesia. Identifiers: Orphanet 244, MedGen C0008780, MONDO:0016575, HP:0012265.

gnomAD v4.1: 47 of 1,550,622 alleles (0.003%); highest among the groups gnomAD compares: Non-Finnish European, 0.004%; no homozygotes.

Submission:

Labcorp Genetics (formerly Invitae), Labcorp
Classification: Uncertain significance for Primary ciliary dyskinesia. Last evaluated: 2024-07-04. Review status: criteria provided, single submitter. Criteria: Invitae Variant Classification Sherloc (09022015). Collection method: clinical testing. Allele origin: germline.
Comment: This sequence change replaces arginine, which is basic and polar, with glycine, which is neutral and non-polar, at codon 135 of the CCDC114 protein (p.Arg135Gly). This variant is present in population databases (no rsID available, gnomAD 0.006%). This variant has not been reported in the literature in individuals affected with CCDC114-related conditions. ClinVar contains an entry for this variant (Variation ID: 1682892). An algorithm developed to predict the effect of missense changes on protein structure and function (PolyPhen-2) suggests that this variant is likely to be disruptive. In summary, the available evidence is currently insufficient to determine the role of this variant in disease. Therefore, it has been classified as a Variant of Uncertain Significance.

NM_001364171.2(ODAD1):c.514C>G (p.Arg172Gly)

Gene: ODAD1 (outer dynein arm docking complex subunit 1; minus strand). Cytogenetic location: 19q13.33.
Variant type: single nucleotide variant.
Coding change: c.514C>G on transcript NM_001364171.2 (MANE Select); coding-DNA position 514, C replaced by G.
Protein change: p.Arg172Gly; replaces arginine 172 with glycine.
Molecular consequence: missense variant.
Genome position (GRCh38, 1-based): chr19:48,311,636, G>C on the plus strand (C>G on the coding strand, the complement: ODAD1 is on the minus strand). VCF-style: chr19-48311636-G-C. GRCh37 (hg19) VCF-style: chr19-48814893-G-C.
Other names: c.403C>G, p.Arg135Gly (NM_144577.4); short protein forms R135G, R172G.
Identifiers: ClinVar variation 1682892 (VCV001682892.5), dbSNP rs556570604, ClinGen allele CA406664253.